The following is an entry in ClinVar:

ClinVar aggregate classification (germline): Uncertain significance (1 of 4 stars; one submission).

Allele frequency attached by ClinVar (database versions not stated): gnomAD exomes 0.00001; ExAC 0.00003.

Submission:

Labcorp Genetics (formerly Invitae), Labcorp
Classification: Uncertain significance. Last evaluated: 2025-07-30. Review status: criteria provided, single submitter. Criteria: Invitae Variant Classification Sherloc (09022015). Collection method: clinical testing. Allele origin: germline.
Comment: This sequence change replaces serine, which is neutral and polar, with proline, which is neutral and non-polar, at codon 174 of the NEUROG3 protein (p.Ser174Pro). This variant is present in population databases (rs781692065, gnomAD 0.002%). This variant has not been reported in the literature in individuals affected with NEUROG3-related conditions. ClinVar contains an entry for this variant (Variation ID: 1984308). An algorithm developed to predict the effect of missense changes on protein structure and function (PolyPhen-2) suggests that this variant is likely to be disruptive. In summary, the available evidence is currently insufficient to determine the role of this variant in disease. Therefore, it has been classified as a Variant of Uncertain Significance.

NM_020999.4(NEUROG3):c.520T>C (p.Ser174Pro)

Gene: NEUROG3 (neurogenin 3; minus strand). Cytogenetic location: 10q22.1.
Variant type: single nucleotide variant.
Coding change: c.520T>C on transcript NM_020999.4 (MANE Select); coding-DNA position 520, T replaced by C.
Protein change: p.Ser174Pro; replaces serine 174 with proline.
Molecular consequence: missense variant.
Genome position (GRCh38, 1-based): chr10:69,572,524, A>G on the plus strand (T>C on the coding strand, the complement: NEUROG3 is on the minus strand). VCF-style: chr10-69572524-A-G. GRCh37 (hg19) VCF-style: chr10-71332280-A-G.
Other names: short protein forms S174P.
Identifiers: ClinVar variation 1984308 (VCV001984308.4), dbSNP rs781692065, ClinGen allele CA5533676.
Genomic context (GRCh38, chr10:69,572,524, plus strand): 5'-GCCCGGGTCGCTCCTCCAGCGACGCGGCGGGACTCAGGCTGCCAGCCTGGGAGACTGGGG[A>G]GTAGAGGGACCCCCAGTCCCCGGGGGAACCGCCTGGGCTGCCCAGCTCCCCGCAGTGCGG-3'
Protein context (NP_066279.2, residues 164-184): GSPGDWGSLY[Ser174Pro]PVSQAGSLSP